The following is an entry in ClinVar:

NM_130839.5(UBE3A):c.721A>G (p.Thr241Ala)

Genes: SNHG14 (small nucleolar RNA host gene 14; plus strand), UBE3A (ubiquitin protein ligase E3A; minus strand). Cytogenetic location: 15q11.2.
Variant type: single nucleotide variant.
Coding change: c.721A>G on transcript NM_130839.5 (MANE Select); coding-DNA position 721, A replaced by G.
Protein change: p.Thr241Ala; replaces threonine 241 with alanine.
Molecular consequence: missense variant. On other transcripts: non-coding transcript variant (1), intron variant (2).
Genome position (GRCh38, 1-based): chr15:25,371,453, T>C on the plus strand (A>G on the coding strand, the complement: UBE3A is on the minus strand). VCF-style: chr15-25371453-T-C. GRCh37 (hg19) VCF-style: chr15-25616600-T-C.
Other names: c.730A>G, p.Thr244Ala (NM_000462.5); c.721A>G, p.Thr241Ala (NM_001354505.1, NM_001354538.2, NM_001354545.2); c.661A>G, p.Thr221Ala (NM_001354506.2, NM_001354507.2, NM_001354508.2 and 17 more transcripts); c.544A>G, p.Thr182Ala (NM_001354546.2); c.301+4012A>G (NM_001354551.2); c.361+4012A>G (NM_001354550.2); short protein forms T182A, T241A, T244A, T221A.
Identifiers: ClinVar variation 2163288 (VCV002163288.5), dbSNP rs753920397, ClinGen allele CA7435596.

ClinVar aggregate classification (germline): Uncertain significance. Review status: criteria provided, multiple submitters, no conflicts (2 of 4 stars). 2 submissions from 2 submitters: Uncertain significance (2). Last evaluated 2025-03-01.

Conditions:
Angelman syndrome (AS). Also called: HAPPY PUPPET SYNDROME. Identifiers: Orphanet 72, MedGen C0162635, MONDO:0007113, OMIM 105830. Disease mechanism: loss of function. Inheritance: imprinting disorder, AS is caused by disruption of maternally imprinted UBE3A located within the 15q11.2-q13 Angelman syndrome/Prader-Willi syndrome (AS/PWS) region..

Allele frequency attached by ClinVar (database versions not stated): ExAC 0.00001; gnomAD exomes 0.00001.
gnomAD v4.1: 3 of 1,614,110 alleles (0.00019%); highest among the groups gnomAD compares: Admixed American, 0.0033%; no homozygotes.

Submissions (2):

Labcorp Genetics (formerly Invitae), Labcorp
Classification: Uncertain significance for Angelman syndrome. Last evaluated: 2025-03-01. Review status: criteria provided, single submitter. Criteria: Invitae Variant Classification Sherloc (09022015). Collection method: clinical testing. Allele origin: germline.
Comment: This sequence change replaces threonine, which is neutral and polar, with alanine, which is neutral and non-polar, at codon 221 of the UBE3A protein (p.Thr221Ala). This variant is present in population databases (rs753920397, gnomAD 0.006%). This variant has not been reported in the literature in individuals affected with UBE3A-related conditions. ClinVar contains an entry for this variant (Variation ID: 2163288). Invitae Evidence Modeling of protein sequence and biophysical properties (such as structural, functional, and spatial information, amino acid conservation, physicochemical variation, residue mobility, and thermodynamic stability) indicates that this missense variant is not expected to disrupt UBE3A protein function with a negative predictive value of 80%. In summary, the available evidence is currently insufficient to determine the role of this variant in disease. Therefore, it has been classified as a Variant of Uncertain Significance.

GeneDx
Classification: Uncertain significance. Last evaluated: 2023-01-09. Review status: criteria provided, single submitter. Criteria: GeneDx Variant Classification Process June 2021. Collection method: clinical testing. Allele origin: germline. Affected: yes.
Comment: Not observed at significant frequency in large population cohorts (gnomAD); In silico analysis supports that this missense variant does not alter protein structure/function; Has not been previously published as pathogenic or benign to our knowledge